The following is an entry in ClinVar:

NM_178012.5(TUBB2B):c.508A>T (p.Met170Leu)

Gene: TUBB2B (tubulin beta 2B class IIb; minus strand). Cytogenetic location: 6p25.2.
Variant type: single nucleotide variant.
Coding change: c.508A>T on transcript NM_178012.5 (MANE Select); coding-DNA position 508, A replaced by T.
Protein change: p.Met170Leu; replaces methionine 170 with leucine.
Molecular consequence: missense variant.
Genome position (GRCh38, 1-based): chr6:3,225,581, T>A on the plus strand (A>T on the coding strand, the complement: TUBB2B is on the minus strand). VCF-style: chr6-3225581-T-A. GRCh37 (hg19) VCF-style: chr6-3225815-T-A.
Other names: short protein forms M170L.
Identifiers: ClinVar variation 1715042 (VCV001715042.5), dbSNP rs2533617575, ClinGen allele CA362588274.

ClinVar aggregate classification (germline): Uncertain significance (1 of 4 stars; one submission).

Submission:

Labcorp Genetics (formerly Invitae), Labcorp
Classification: Uncertain significance. Last evaluated: 2022-08-04. Review status: criteria provided, single submitter. Criteria: Invitae Variant Classification Sherloc (09022015). Collection method: clinical testing. Allele origin: germline.
Comment: This variant has not been reported in the literature in individuals affected with TUBB2B-related conditions. This sequence change replaces methionine, which is neutral and non-polar, with leucine, which is neutral and non-polar, at codon 170 of the TUBB2B protein (p.Met170Leu). This variant is not present in population databases (gnomAD no frequency). Algorithms developed to predict the effect of missense changes on protein structure and function (SIFT, PolyPhen-2, Align-GVGD) all suggest that this variant is likely to be tolerated. In summary, the available evidence is currently insufficient to determine the role of this variant in disease. Therefore, it has been classified as a Variant of Uncertain Significance.